The following is an entry in ClinVar:

NM_003640.5(ELP1):c.3572+5G>T

Gene: ELP1 (elongator acetyltransferase complex subunit 1; minus strand). Cytogenetic location: 9q31.3.
Variant type: single nucleotide variant.
Coding change: c.3572+5G>T on transcript NM_003640.5 (MANE Select); 5 bases into the intron after coding-DNA position 3572, G replaced by T.
Molecular consequence: intron variant.
Genome position (GRCh38, 1-based): chr9:108,879,441, C>A on the plus strand (G>T on the coding strand, the complement: ELP1 is on the minus strand). VCF-style: chr9-108879441-C-A. GRCh37 (hg19) VCF-style: chr9-111641721-C-A.
Other names: c.3230+5G>T (NM_001318360.2); c.2525+5G>T (NM_001330749.2); c.3572+5G>T (LRG_251t1).
Identifiers: ClinVar variation 577074 (VCV000577074.32), dbSNP rs773132143, ClinGen allele CA5174263.

ClinVar aggregate classification (germline): Uncertain significance. Review status: criteria provided, multiple submitters, no conflicts (2 of 4 stars). 5 submissions from 5 submitters: Uncertain significance (4). 1 of the submissions does not count toward it. Last evaluated 2024-03-01.

Conditions:
Familial dysautonomia. Also called: FD; HSAN III. Identifiers: Orphanet 1764, MedGen C0013364, MONDO:0009131, OMIM 223900. Disease mechanism: loss of function.

Allele frequency attached by ClinVar (database versions not stated): TOPMed 0.00003.
gnomAD v4.1: 44 of 1,590,414 alleles (0.0028%); highest among the groups gnomAD compares: Non-Finnish European, 0.0036%; no homozygotes.

Submissions (6):

Blueprint Genetics
Classification: Uncertain significance. Last evaluated: 2024-03-01. Review status: criteria provided, single submitter. Criteria: ACMG Guidelines, 2015. Collection method: clinical testing. Allele origin: germline.

CeGaT Center for Human Genetics Tuebingen
Classification: Uncertain significance. Last evaluated: 2022-09-01. Review status: criteria provided, single submitter. Criteria: CeGaT Center For Human Genetics Tuebingen Variant Classification Criteria Version 2. Collection method: clinical testing. Allele origin: germline. Affected: yes. Observed: 2 variant alleles.
Comment: ELP1: PM2, PP3

Labcorp Genetics (formerly Invitae), Labcorp
Classification: Uncertain significance. Last evaluated: 2022-08-07. Review status: criteria provided, single submitter. Criteria: Invitae Variant Classification Sherloc (09022015). Collection method: clinical testing. Allele origin: germline.
Comment: This sequence change falls in intron 33 of the ELP1 gene. It does not directly change the encoded amino acid sequence of the ELP1 protein. It affects a nucleotide within the consensus splice site. This variant is present in population databases (rs773132143, gnomAD 0.005%). This variant has not been reported in the literature in individuals affected with ELP1-related conditions. ClinVar contains an entry for this variant (Variation ID: 577074). Variants that disrupt the consensus splice site are a relatively common cause of aberrant splicing (PMID: 17576681, 9536098). Algorithms developed to predict the effect of sequence changes on RNA splicing suggest that this variant may disrupt the consensus splice site. In summary, the available evidence is currently insufficient to determine the role of this variant in disease. Therefore, it has been classified as a Variant of Uncertain Significance.

Ambry Genetics
Classification: Uncertain significance. Last evaluated: 2019-10-29. Review status: criteria provided, single submitter. Criteria: Ambry Variant Classification Scheme 2023. Collection method: clinical testing. Allele origin: germline.
Comment: The c.3572+5G>T intronic variant results from a G to T substitution 5 nucleotides after coding exon 32 in the IKBKAP gene. This nucleotide position is well conserved in available vertebrate species. Using the BDGP and ESEfinder splice site prediction tools, this alteration is predicted to abolish the native splice donor site; however, direct evidence is unavailable. Since supporting evidence is limited at this time, the clinical significance of this alteration remains unclear.

Natera, Inc.
Classification: Uncertain significance for Familial dysautonomia. Last evaluated: 2020-09-16. Review status: no assertion criteria provided. Collection method: clinical testing. Allele origin: germline. Not counted in ClinVar's aggregate classification.

Dr. Peter K. Rogan Lab, Western University
No classification provided (evidence only). Condition: Ovarian serous cystadenocarcinoma. Review status: no classification provided. Collection method: in vitro. Allele origin: not applicable. Functional consequence: retained intron. Not counted in ClinVar's aggregate classification.

Literature cited by the submitters: PubMed 17576681 (cited by Labcorp Genetics (formerly Invitae), Labcorp); PubMed 9536098 (cited by Labcorp Genetics (formerly Invitae), Labcorp).